The following is an entry in ClinVar:

ClinVar aggregate classification (germline): Pathogenic (1 of 4 stars; one submission).

Submission:

Labcorp Genetics (formerly Invitae), Labcorp
Classification: Pathogenic. Last evaluated: 2024-01-11. Review status: criteria provided, single submitter. Criteria: Invitae Variant Classification Sherloc (09022015). Collection method: clinical testing. Allele origin: germline.
Comment: This sequence change creates a premature translational stop signal (p.Asp54Profs*12) in the TYRP1 gene. It is expected to result in an absent or disrupted protein product. Loss-of-function variants in TYRP1 are known to be pathogenic (PMID: 8651291, 9345097). This variant is present in population databases (rs781088855, gnomAD 0.006%). This variant has not been reported in the literature in individuals affected with TYRP1-related conditions. For these reasons, this variant has been classified as Pathogenic.

Literature cited by the submitters: PubMed 8651291; PubMed 9345097.

NM_000550.3(TYRP1):c.160_161del (p.Asp54fs)

Gene: TYRP1 (tyrosinase related protein 1; plus strand). Cytogenetic location: 9p23.
Variant type: Deletion.
Coding change: c.160_161del on transcript NM_000550.3 (MANE Select); coding-DNA positions 160 to 161, 2 bases deleted (GA; older notation c.160_161delGA).
Protein change: p.Asp54fs; shifts the reading frame from aspartic acid 54.
Molecular consequence: frameshift variant.
Genome position (GRCh38, 1-based): chr9:12,694,156-12,694,157, GA deleted; deleting any 2 consecutive bases within chr9:12,694,155-12,694,157 gives the same sequence; the c. name uses the placement nearest the transcript's 3' end. VCF-style (leftmost placement, unchanged base first): chr9-12694154-CAG-C. GRCh37 (hg19) VCF-style: chr9-12694154-CAG-C.
Other names: short protein forms D54fs.
Identifiers: ClinVar variation 2865365 (VCV002865365.3), dbSNP rs781088855, ClinGen allele CA4985127.